The following is an entry in ClinVar:

ClinVar aggregate classification (germline): Uncertain significance (1 of 4 stars; one submission).

Conditions:
Nemaline myopathy 2 (NEM2). Also called: Nemaline myopathy 2, autosomal recessive. Identifiers: MedGen C1850569, MONDO:0009725, OMIM 256030.

Allele frequency attached by ClinVar (database versions not stated): gnomAD exomes below 0.00001.
gnomAD v4.1: 1 of 1,613,290 alleles (0.000062%); highest among the groups gnomAD compares: Admixed American, 0.0017%; no homozygotes.

Submission:

Labcorp Genetics (formerly Invitae), Labcorp
Classification: Uncertain significance for Nemaline myopathy 2. Last evaluated: 2021-10-12. Review status: criteria provided, single submitter. Criteria: Invitae Variant Classification Sherloc (09022015). Collection method: clinical testing. Allele origin: germline.
Comment: This sequence change replaces isoleucine with asparagine at codon 2959 of the NEB protein (p.Ile2959Asn). The isoleucine residue is moderately conserved and there is a large physicochemical difference between isoleucine and asparagine. This variant is not present in population databases (ExAC no frequency). This variant has not been reported in the literature in individuals affected with NEB-related conditions. Algorithms developed to predict the effect of missense changes on protein structure and function are either unavailable or do not agree on the potential impact of this missense change (SIFT: "Deleterious"; PolyPhen-2: "Not Available"; Align-GVGD: "Class C0"). In summary, the available evidence is currently insufficient to determine the role of this variant in disease. Therefore, it has been classified as a Variant of Uncertain Significance.

NM_001164508.2(NEB):c.8876T>A (p.Ile2959Asn)

Gene: NEB (nebulin; minus strand). Cytogenetic location: 2q23.3.
Variant type: single nucleotide variant.
Coding change: c.8876T>A on transcript NM_001164508.2 (MANE Select); coding-DNA position 8876, T replaced by A.
Protein change: p.Ile2959Asn; replaces isoleucine 2959 with asparagine.
Molecular consequence: missense variant. On other transcripts: intron variant (1).
Genome position (GRCh38, 1-based): chr2:151,639,870, A>T on the plus strand (T>A on the coding strand, the complement: NEB is on the minus strand). VCF-style: chr2-151639870-A-T. GRCh37 (hg19) VCF-style: chr2-152496384-A-T.
Other names: c.8876T>A, p.Ile2959Asn (NM_001164507.2, NM_001271208.2); c.8853+23T>A (NM_004543.5); short protein forms I2959N.
Identifiers: ClinVar variation 1372938 (VCV001372938.6), dbSNP rs1228319024, ClinGen allele CA348809077.